The following is an entry in ClinVar:

ClinVar aggregate classification (germline): Likely benign. Review status: criteria provided, multiple submitters, no conflicts (2 of 4 stars). 2 submissions from 2 submitters: Likely benign (2). Last evaluated 2026-04-14.

Conditions:
Familial intrahepatic cholestasis. Identifiers: Orphanet 284385, MedGen CN296401, MONDO:0017290.

gnomAD v4.1: 35 of 1,613,914 alleles (0.0022%); highest among the groups gnomAD compares: Admixed American, 0.013%; no homozygotes.

Submissions (2):

Genomenon, Inc
Classification: Likely benign for Familial intrahepatic cholestasis. Last evaluated: 2026-04-14. Review status: criteria provided, single submitter. Criteria: Genomenon Sequence Variant Interpretation Standards - Updated. Collection method: curation. Allele origin: germline. Affected: no.
Comment: ATP8B1 c.2664G>A is a synonymous variant that retains Threonine at residue 888. This variant has been reported in the published literature (PMID:24260417). It is absent or not present at a significant frequency in gnomAD. This synonymous variant is not predicted to impact splicing. In conclusion, we classify ATP8B1 p.Thr888= (c.2664G>A) as a likely benign variant.

Labcorp Genetics (formerly Invitae), Labcorp
Classification: Likely benign. Last evaluated: 2023-12-04. Review status: criteria provided, single submitter. Criteria: Invitae Variant Classification Sherloc (09022015). Collection method: clinical testing. Allele origin: germline.

Literature cited by the submitters: PubMed 24260417 (cited by Genomenon, Inc).

NM_001374385.1(ATP8B1):c.2664G>A (p.Thr888=)

Genes: ATP8B1 (ATPase phospholipid transporting 8B1; minus strand), ATP8B1-AS1 (ATP8B1 antisense RNA 1; plus strand). Cytogenetic location: 18q21.31.
Variant type: single nucleotide variant.
Coding change: c.2664G>A on transcript NM_001374385.1 (MANE Select); coding-DNA position 2664, G replaced by A.
Protein change: p.Thr888=; no amino-acid change (threonine 888 retained).
Molecular consequence: synonymous variant.
Genome position (GRCh38, 1-based): chr18:57,661,217, C>T on the plus strand (G>A on the coding strand, the complement: ATP8B1 is on the minus strand). VCF-style: chr18-57661217-C-T. GRCh37 (hg19) VCF-style: chr18-55328449-C-T.
Other names: c.2514G>A, p.Thr838= (NM_001374386.1); c.2664G>A, p.Thr888= (NM_005603.6).
Identifiers: ClinVar variation 2868393 (VCV002868393.4), dbSNP rs35757087, ClinGen allele CA8974207.
Genomic context (GRCh38, chr18:57,661,217, plus strand): 5'-GTGGGTGCATGACTCACTTTTGATCATGTTCACGTCATTGGCCCCATCTCCGATGGCCAG[C>T]GTGATGGCTTTCTTGTACCTCTTCACCAGGTCCACCACCATGGCCTTCTGCTTGGGGGTG-3'
Protein context (NP_001361314.1, residues 878-898): DLVKRYKKAI[Thr888=]LAIGDGANDV